The following is an entry in ClinVar:

ClinVar aggregate classification (germline): Likely benign. Review status: criteria provided, multiple submitters, no conflicts (2 of 4 stars). 4 submissions from 4 submitters: Likely benign (4). Last evaluated 2026-01-20.

Conditions:
Hereditary breast ovarian cancer syndrome. Also called: Breast and ovarian cancer; Hereditary breast and/or ovarian cancer syndrome; BRCA1- and BRCA2-Associated Hereditary Breast and Ovarian Cancer; Hereditary breast and ovarian cancer syndrome; Hereditary breast and ovarian cancer syndrome (HBOC); Hereditary breast and ovarian cancer. Identifiers: Orphanet 145, MedGen C0677776, MeSH D061325, MONDO:0003582. Disease mechanism: loss of function.
Breast-ovarian cancer, familial, susceptibility to, 1 (BROVCA1). Also called: BRCA1 Hereditary Breast and Ovarian Cancer; OVARIAN CANCER, SUSCEPTIBILITY TO. Identifiers: Orphanet 145, MedGen C2676676, MONDO:0011450, OMIM 604370. Disease mechanism: loss of function.
Hereditary cancer-predisposing syndrome. Also called: Tumor predisposition; Hereditary Cancer Syndrome; Hereditary neoplastic syndrome; Neoplastic Syndromes, Hereditary. Identifiers: Orphanet 140162, MedGen C0027672, MeSH D009386, MONDO:0015356.

Submissions (4):

Labcorp Genetics (formerly Invitae), Labcorp
Classification: Likely benign for Hereditary breast ovarian cancer syndrome. Last evaluated: 2026-01-20. Review status: criteria provided, single submitter. Criteria: Invitae Variant Classification Sherloc (09022015). Collection method: clinical testing. Allele origin: germline.

All of Us Research Program, National Institutes of Health
Classification: Likely benign for Breast-ovarian cancer, familial, susceptibility to, 1. Last evaluated: 2023-05-30. Review status: criteria provided, single submitter. Criteria: ACMG Guidelines, 2015. Collection method: clinical testing. Allele origin: germline. Inheritance: Autosomal dominant inheritance. Observed: 1 variant allele, 1 heterozygote.
Comment: This study involves interpretation of variants in research participants for the purpose of population health screening. Participant phenotype was not available at the time of variant classification. Additional details can be found in publication PMID: 35346344, PMCID: PMC8962531

Color Diagnostics, LLC DBA Color Health
Classification: Likely benign for Hereditary cancer-predisposing syndrome. Last evaluated: 2018-10-18. Review status: criteria provided, single submitter. Criteria: ACMG Guidelines, 2015. Collection method: clinical testing. Allele origin: germline.

Ambry Genetics
Classification: Likely benign for Hereditary cancer-predisposing syndrome. Last evaluated: 2017-02-22. Review status: criteria provided, single submitter. Criteria: Ambry Variant Classification Scheme 2023. Collection method: clinical testing. Allele origin: germline.

NM_007294.4(BRCA1):c.3846A>G (p.Glu1282=)

Genes: BRCA1 (BRCA1 DNA repair associated; minus strand), LOC126862571 (BRD4-independent group 4 enhancer GRCh37_chr17:41243136-41244335; plus strand). Cytogenetic location: 17q21.31.
Variant type: single nucleotide variant.
Coding change: c.3846A>G on transcript NM_007294.4 (MANE Select); coding-DNA position 3846, A replaced by G.
Protein change: p.Glu1282=; no amino-acid change (glutamic acid 1282 retained).
Molecular consequence: synonymous variant. On other transcripts: intron variant (135).
Genome position (GRCh38, 1-based): chr17:43,091,685, T>C on the plus strand (A>G on the coding strand, the complement: BRCA1 is on the minus strand). VCF-style: chr17-43091685-T-C. GRCh37 (hg19) VCF-style: chr17-41243702-T-C.
Other names: c.3723A>G, p.Glu1241= (NM_001407680.1, NM_001407681.1, NM_001407682.1 and 19 more transcripts); c.3846A>G, p.Glu1282= (NM_001407684.1, NM_001407854.1, NM_001407858.1 and 30 more transcripts); c.3720A>G, p.Glu1240= (NM_001407685.1, NM_001407686.1, NM_001407687.1 and 11 more transcripts); c.3705A>G, p.Glu1235= (NM_001407692.1, NM_001407694.1, NM_001407695.1 and 29 more transcripts); c.3702A>G, p.Glu1234= (NM_001407740.1, NM_001407741.1, NM_001407742.1 and 20 more transcripts); c.3633A>G, p.Glu1211= (NM_001407853.1, NM_001407894.1, NM_001407895.1 and 9 more transcripts); c.3843A>G, p.Glu1281= (NM_001407860.1, NM_001407861.1, NM_001407587.1 and 22 more transcripts); c.3645A>G, p.Glu1215= (NM_001407862.1); and 41 more.
Identifiers: ClinVar variation 479252 (VCV000479252.20), dbSNP rs1555586947, ClinGen allele CA500232159.